The following is an entry in ClinVar:

NM_007129.5(ZIC2):c.176C>A (p.Ala59Asp)

Gene: ZIC2 (Zic family zinc finger 2; plus strand). Cytogenetic location: 13q32.3.
Variant type: single nucleotide variant.
Coding change: c.176C>A on transcript NM_007129.5 (MANE Select); coding-DNA position 176, C replaced by A.
Protein change: p.Ala59Asp; replaces alanine 59 with aspartic acid.
Molecular consequence: missense variant.
Genome position (GRCh38, 1-based): chr13:99,982,240, C>A. VCF-style: chr13-99982240-C-A. GRCh37 (hg19) VCF-style: chr13-100634494-C-A.
Other names: short protein forms A59D.
Identifiers: ClinVar variation 2714184 (VCV002714184.3), dbSNP rs1251534576, ClinGen allele CA388636718.

ClinVar aggregate classification (germline): Uncertain significance (1 of 4 stars; one submission).

Conditions:
Holoprosencephaly 5 (HPE5). Identifiers: Orphanet 2162, MedGen C1864827, MONDO:0012322, OMIM 609637.

Allele frequency attached by ClinVar (database versions not stated): TOPMed 0.00001; gnomAD 0.00003.
gnomAD v4.1: 41 of 1,514,412 alleles (0.0027%); highest among the groups gnomAD compares: Non-Finnish European, 0.0034%; no homozygotes.

Submission:

Labcorp Genetics (formerly Invitae), Labcorp
Classification: Uncertain significance for Holoprosencephaly 5. Last evaluated: 2023-08-17. Review status: criteria provided, single submitter. Criteria: Invitae Variant Classification Sherloc (09022015). Collection method: clinical testing. Allele origin: germline.
Comment: This variant has not been reported in the literature in individuals affected with ZIC2-related conditions. In summary, the available evidence is currently insufficient to determine the role of this variant in disease. Therefore, it has been classified as a Variant of Uncertain Significance. Advanced modeling of protein sequence and biophysical properties (such as structural, functional, and spatial information, amino acid conservation, physicochemical variation, residue mobility, and thermodynamic stability) has been performed at Invitae for this missense variant, however the output from this modeling did not meet the statistical confidence thresholds required to predict the impact of this variant on ZIC2 protein function. This variant is present in population databases (no rsID available, gnomAD 0.01%). This sequence change replaces alanine, which is neutral and non-polar, with aspartic acid, which is acidic and polar, at codon 59 of the ZIC2 protein (p.Ala59Asp).